The following is an entry in ClinVar:

ClinVar aggregate classification (germline): Uncertain significance (1 of 4 stars; one submission).

Conditions:
Inborn genetic diseases. Identifiers: MedGen C0950123, MeSH D030342.

Submission:

Ambry Genetics
Classification: Uncertain significance for Inborn genetic diseases. Last evaluated: 2025-08-24. Review status: criteria provided, single submitter. Criteria: Ambry Variant Classification Scheme 2023. Collection method: clinical testing. Allele origin: germline.
Comment: The p.L978P variant (also known as c.2933T>C), located in coding exon 24 of the ANKRD26 gene, results from a T to C substitution at nucleotide position 2933. The leucine at codon 978 is replaced by proline, an amino acid with similar properties. This amino acid position is conserved. In addition, the in silico prediction for this alteration is inconclusive. Based on the available evidence, the clinical significance of this variant remains unclear.

NM_014915.3(ANKRD26):c.2933T>C (p.Leu978Pro)

Gene: ANKRD26 (ankyrin repeat domain containing 26; minus strand). Cytogenetic location: 10p12.1.
Variant type: single nucleotide variant.
Coding change: c.2933T>C on transcript NM_014915.3 (MANE Select); coding-DNA position 2933, T replaced by C.
Protein change: p.Leu978Pro; replaces leucine 978 with proline.
Molecular consequence: missense variant.
Genome position (GRCh38, 1-based): chr10:27,035,517, A>G on the plus strand (T>C on the coding strand, the complement: ANKRD26 is on the minus strand). VCF-style: chr10-27035517-A-G. GRCh37 (hg19) VCF-style: chr10-27324446-A-G.
Other names: c.2930T>C, p.Leu977Pro (NM_001256053.2); short protein forms L978P, L977P.
Identifiers: ClinVar variation 4104448 (VCV004104448.1).